The following is an entry in ClinVar:

ClinVar aggregate classification (germline): Uncertain significance. Review status: criteria provided, multiple submitters, no conflicts (2 of 4 stars). 8 submissions from 8 submitters: Uncertain significance (7). 1 of the submissions does not count toward it. Last evaluated 2025-09-25.

Conditions:
Bronchiectasis with or without elevated sweat chloride 1 (BESC1). Also called: Cystic Fibrosis-Like Syndrome. Identifiers: Orphanet 60033, MedGen C2749757, MONDO:0008887, OMIM 211400.
Cystic fibrosis (CF). Also called: MUCOVISCIDOSIS. Identifiers: Orphanet 586, MedGen C0010674, MONDO:0009061, OMIM 219700. Disease mechanism: loss of function.
Hereditary pancreatitis (PCTT). Also called: PRSS1-Related Hereditary Pancreatitis; Hereditary chronic pancreatitis. Identifiers: Orphanet 676, MedGen C0238339, MONDO:0008185, OMIM 167800.
Congenital bilateral aplasia of vas deferens from CFTR mutation (CBAVD). Identifiers: Orphanet 48, MedGen C0403814, MONDO:0010178, OMIM 277180. Disease mechanism: loss of function.
CFTR-related disorder (CFTR-RD). Also called: CFTR-related condition; CFTR-related disorders. Identifiers: MedGen C5924204, MONDO:7770004.

Allele frequency attached by ClinVar (database versions not stated): gnomAD 0.00001; ExAC 0.00002; gnomAD exomes 0.00002 and 0.00005; TOPMed 0.00002.
gnomAD v4.1: 75 of 1,613,658 alleles (0.0046%); highest among the groups gnomAD compares: Non-Finnish European, 0.0061%; no homozygotes.

Submissions (8):

Women's Health and Genetics/Laboratory Corporation of America, LabCorp
Classification: Uncertain significance. Last evaluated: 2025-09-25. Review status: criteria provided, single submitter. Criteria: LabCorp Variant Classification Summary - May 2015. Collection method: clinical testing. Allele origin: germline.
Comment: Variant summary: CFTR c.925G>A (p.Ala309Thr) results in a non-conservative amino acid change located in the ABC transporter type 1, transmembrane domain (IPR011527) of the encoded protein sequence. Algorithms developed to predict the effect of missense changes on protein structure and function all suggest that this variant is likely to be disruptive. The variant allele was found at a frequency of 2.4e-05 in 251120 control chromosomes. The available data on variant occurrences in the general population are insufficient to allow any conclusion about variant significance. To our knowledge, no occurrence of c.925G>A in individuals affected with Cystic Fibrosis and no experimental evidence demonstrating its impact on protein function have been reported. The following publications have been ascertained in the context of this evaluation (PMID: 34996830, 23775370). ClinVar contains an entry for this variant (Variation ID: 572004). Based on the evidence outlined above, the variant was classified as uncertain significance.

Labcorp Genetics (formerly Invitae), Labcorp
Classification: Uncertain significance for Cystic fibrosis. Last evaluated: 2025-01-22. Review status: criteria provided, single submitter. Criteria: Invitae Variant Classification Sherloc (09022015). Collection method: clinical testing. Allele origin: germline.
Comment: This sequence change replaces alanine, which is neutral and non-polar, with threonine, which is neutral and polar, at codon 309 of the CFTR protein (p.Ala309Thr). This variant is present in population databases (rs148013312, gnomAD 0.006%). This variant has not been reported in the literature in individuals affected with CFTR-related conditions. ClinVar contains an entry for this variant (Variation ID: 572004). Invitae Evidence Modeling of protein sequence and biophysical properties (such as structural, functional, and spatial information, amino acid conservation, physicochemical variation, residue mobility, and thermodynamic stability) indicates that this missense variant is not expected to disrupt CFTR protein function with a negative predictive value of 80%. This variant disrupts the p.Ala309 amino acid residue in CFTR. Other variant(s) that disrupt this residue have been determined to be pathogenic (PMID: 26856987, 30811104). This suggests that this residue is clinically significant, and that variants that disrupt this residue are likely to be disease-causing. In summary, the available evidence is currently insufficient to determine the role of this variant in disease. Therefore, it has been classified as a Variant of Uncertain Significance.

Ambry Genetics
Classification: Uncertain significance for Cystic fibrosis. Last evaluated: 2025-01-14. Review status: criteria provided, single submitter. Criteria: Ambry Variant Classification Scheme 2023. Collection method: clinical testing. Allele origin: germline.
Comment: The p.A309T variant (also known as c.925G>A), located in coding exon 8 of the CFTR gene, results from a G to A substitution at nucleotide position 925. The alanine at codon 309 is replaced by threonine, an amino acid with similar properties. This variant was identified in a cohort of DNA samples with previously identified CFTR variants; however, specific genotype and phenotype information was not provided (Abou Tayoun AN et al. Clin. Chem., 2013 Oct;59:1481-8). This amino acid position is well conserved in available vertebrate species. In addition, the in silico prediction for this alteration is inconclusive. Based on the available evidence, the clinical significance of this variant remains unclear.

Blueprint Genetics
Classification: Uncertain significance. Last evaluated: 2024-05-29. Review status: criteria provided, single submitter. Criteria: ACMG Guidelines, 2015. Collection method: clinical testing. Allele origin: germline.

Quest Diagnostics Nichols Institute San Juan Capistrano
Classification: Uncertain significance. Last evaluated: 2023-03-23. Review status: criteria provided, single submitter. Criteria: Quest Diagnostics criteria. Collection method: clinical testing. Allele origin: unknown.
Comment: The variant was described in an individual suspected of CF (CFMD). The frequency of this variant in the general population, 0.000053 (6/113508 chromosomes), is uninformative in assessment of its pathogenicity. In the published literature, the variant was reported in a cohort of individuals affected with chronic obstructive pulmonary disease (COPD) (PMID: 34996830 (2022)). Analysis of this variant using bioinformatics tools for the prediction of the effect of amino acid changes on protein structure and function yielded conflicting predictions that this variant is deleterious or benign. Based on the available information, we are unable to determine the clinical significance of this variant.

Fulgent Genetics
Classification: Uncertain significance for Hereditary pancreatitis; Bronchiectasis with or without elevated sweat chloride 1; Cystic fibrosis; Congenital bilateral aplasia of vas deferens from CFTR mutation. Last evaluated: 2022-05-06. Review status: criteria provided, single submitter. Criteria: ACMG Guidelines, 2015. Collection method: clinical testing. Allele origin: unknown.

Genome-Nilou Lab
Classification: Uncertain significance for Cystic fibrosis. Last evaluated: 2021-09-05. Review status: criteria provided, single submitter. Criteria: ACMG Guidelines, 2015. Collection method: clinical testing. Allele origin: germline. Affected: no.

Natera, Inc.
Classification: Uncertain significance for CFTR-related disorders. Last evaluated: 2018-09-11. Review status: no assertion criteria provided. Collection method: clinical testing. Allele origin: germline. Not counted in ClinVar's aggregate classification.

Literature cited by the submitters: PubMed 34996830 (cited by Women's Health and Genetics/Laboratory Corporation of America, LabCorp and Quest Diagnostics Nichols Institute San Juan Capistrano); PubMed 23775370 (cited by 3 submitters); PubMed 26856987 (cited by Labcorp Genetics (formerly Invitae), Labcorp); PubMed 30811104 (cited by Labcorp Genetics (formerly Invitae), Labcorp); PubMed 32734384 (cited by Quest Diagnostics Nichols Institute San Juan Capistrano).

NM_000492.4(CFTR):c.925G>A (p.Ala309Thr)

Gene: CFTR (CF transmembrane conductance regulator; plus strand). Cytogenetic location: 7q31.2.
Variant type: single nucleotide variant.
Coding change: c.925G>A on transcript NM_000492.4 (MANE Select); coding-DNA position 925, G replaced by A.
Protein change: p.Ala309Thr; replaces alanine 309 with threonine.
Molecular consequence: missense variant.
Genome position (GRCh38, 1-based): chr7:117,540,155, G>A. VCF-style: chr7-117540155-G-A. GRCh37 (hg19) VCF-style: chr7-117180209-G-A.
Other names: short protein forms A309T.
Identifiers: ClinVar variation 572004 (VCV000572004.18), dbSNP rs148013312, ClinGen allele CA4450864.